The following is an entry in ClinVar:

ClinVar aggregate classification (germline): Uncertain significance (1 of 4 stars; one submission).

gnomAD v4.1: 1 of 1,613,926 alleles (0.000062%); highest among the groups gnomAD compares: South Asian, 0.0011%; no homozygotes.

Submission:

Labcorp Genetics (formerly Invitae), Labcorp
Classification: Uncertain significance. Last evaluated: 2025-12-06. Review status: criteria provided, single submitter. Criteria: Invitae Variant Classification Sherloc (09022015). Collection method: clinical testing. Allele origin: germline.
Comment: This sequence change affects codon 77 of the OR2W3 mRNA. It is a 'silent' change, meaning that it does not change the encoded amino acid sequence of the OR2W3 protein. This variant is not present in population databases (gnomAD no frequency). This variant has not been reported in the literature in individuals affected with OR2W3-related conditions. In summary, the available evidence is currently insufficient to determine the role of this variant in disease. Therefore, it has been classified as a Variant of Uncertain Significance.

NM_001001957.2(OR2W3):c.231C>T (p.Ser77=)

Gene: OR2W3 (olfactory receptor family 2 subfamily W member 3; plus strand). Cytogenetic location: 1q44.
Variant type: single nucleotide variant.
Coding change: c.231C>T on transcript NM_001001957.2 (MANE Select); coding-DNA position 231, C replaced by T.
Protein change: p.Ser77=; no amino-acid change (serine 77 retained).
Molecular consequence: synonymous variant.
Genome position (GRCh38, 1-based): chr1:247,895,817, C>T. VCF-style: chr1-247895817-C-T. GRCh37 (hg19) VCF-style: chr1-248059119-C-T.
Identifiers: ClinVar variation 4703653 (VCV004703653.1).
Genomic context (GRCh38, chr1:247,895,817, plus strand): 5'-CCCCATGTACTTCTTCCTCGCCCACCTTTCCTTCCTGGACCTCAGTTTCACCACCAGCTC[C>T]ATCCCCCAGCTGCTCTACAACCTTAATGGATGTGACAAGACCATCAGCTACATGGGCTGT-3'
Protein context (NP_001001957.2, residues 67-87): SFLDLSFTTS[Ser77=]IPQLLYNLNG